The following is an entry in ClinVar:

ClinVar aggregate classification (germline): Conflicting classifications of pathogenicity. Review status: criteria provided, conflicting classifications (1 of 4 stars). 2 submissions from 2 submitters: Likely pathogenic (1); Uncertain significance (1). Last evaluated 2025-10-13.

Conditions:
de Barsy syndrome. Also called: Cutis laxa-corneal clouding-oligophrenia syndrome. Identifiers: Orphanet 2962, MedGen C0268354, MONDO:0017569.
Autosomal dominant spastic paraplegia type 9. Identifiers: MedGen C1832669, MONDO:0015091.
Cutis laxa, autosomal dominant 3 (ADCL3). Identifiers: Orphanet 90348, MedGen C4225268, MONDO:0014706, OMIM 616603.
Hereditary spastic paraplegia 5A (SPG5A). Also called: SPASTIC PARAPLEGIA 5A, AUTOSOMAL RECESSIVE. Identifiers: Orphanet 100986, MedGen C1849115, MONDO:0010047, OMIM 270800.

Allele frequency attached by ClinVar (database versions not stated): ExAC 0.00007.
gnomAD v4.1: 46 of 1,613,952 alleles (0.0029%); highest among the groups gnomAD compares: South Asian, 0.048%; no homozygotes.

Submissions (2):

Labcorp Genetics (formerly Invitae), Labcorp
Classification: Uncertain significance for Autosomal dominant spastic paraplegia type 9; de Barsy syndrome; Cutis laxa, autosomal dominant 3. Last evaluated: 2025-10-13. Review status: criteria provided, single submitter. Criteria: Invitae Variant Classification Sherloc (09022015). Collection method: clinical testing. Allele origin: germline.
Comment: This sequence change replaces serine, which is neutral and polar, with tryptophan, which is neutral and slightly polar, at codon 744 of the ALDH18A1 protein (p.Ser744Trp). This variant is present in population databases (rs762271422, gnomAD 0.04%). This variant has not been reported in the literature in individuals affected with ALDH18A1-related conditions. ClinVar contains an entry for this variant (Variation ID: 522897). Invitae Evidence Modeling of protein sequence and biophysical properties (such as structural, functional, and spatial information, amino acid conservation, physicochemical variation, residue mobility, and thermodynamic stability) has been performed for this missense variant. However, the output from this modeling did not meet the statistical confidence thresholds required to predict the impact of this variant on ALDH18A1 protein function. In summary, the available evidence is currently insufficient to determine the role of this variant in disease. Therefore, it has been classified as a Variant of Uncertain Significance.

Genomic Research Center, Shahid Beheshti University of Medical Sciences
Classification: Likely pathogenic for Hereditary spastic paraplegia 5A. Last evaluated: 2017-12-18. Review status: criteria provided, single submitter. Criteria: ACMG Guidelines, 2015. Collection method: clinical testing. Allele origin: inherited.

NM_002860.4(ALDH18A1):c.2231C>G (p.Ser744Trp)

Gene: ALDH18A1 (aldehyde dehydrogenase 18 family member A1; minus strand). Cytogenetic location: 10q24.1.
Variant type: single nucleotide variant.
Coding change: c.2231C>G on transcript NM_002860.4 (MANE Select); coding-DNA position 2231, C replaced by G.
Protein change: p.Ser744Trp; replaces serine 744 with tryptophan.
Molecular consequence: missense variant.
Genome position (GRCh38, 1-based): chr10:95,606,919, G>C on the plus strand (C>G on the coding strand, the complement: ALDH18A1 is on the minus strand). VCF-style: chr10-95606919-G-C. GRCh37 (hg19) VCF-style: chr10-97366676-G-C.
Other names: c.2225C>G, p.Ser742Trp (NM_001017423.2, NM_001323415.2); c.1898C>G, p.Ser633Trp (NM_001323412.2, NM_001323416.2); c.2231C>G, p.Ser744Trp (NM_001323413.2, NM_001323414.2); c.2126C>G, p.Ser709Trp (NM_001323417.2); c.1892C>G, p.Ser631Trp (NM_001323418.2); c.1595C>G, p.Ser532Trp (NM_001323419.2); short protein forms S744W, S532W, S709W, S742W, S631W, S633W.
Identifiers: ClinVar variation 522897 (VCV000522897.15), dbSNP rs762271422, ClinGen allele CA5620102.